The following is an entry in ClinVar:

ClinVar aggregate classification (germline): Uncertain significance (1 of 4 stars; one submission).

Submission:

Labcorp Genetics (formerly Invitae), Labcorp
Classification: Uncertain significance. Last evaluated: 2025-07-07. Review status: criteria provided, single submitter. Criteria: Invitae Variant Classification Sherloc (09022015). Collection method: clinical testing. Allele origin: germline.
Comment: This sequence change replaces arginine, which is basic and polar, with serine, which is neutral and polar, at codon 76 of the FSCN2 protein (p.Arg76Ser). This variant is not present in population databases (gnomAD no frequency). This variant has not been reported in the literature in individuals affected with FSCN2-related conditions. ClinVar contains an entry for this variant (Variation ID: 2764400). An algorithm developed to predict the effect of missense changes on protein structure and function (PolyPhen-2) suggests that this variant is likely to be tolerated. In summary, the available evidence is currently insufficient to determine the role of this variant in disease. Therefore, it has been classified as a Variant of Uncertain Significance.

NM_012418.4(FSCN2):c.226C>A (p.Arg76Ser)

Gene: FSCN2 (fascin actin-bundling protein 2, retinal; plus strand). Cytogenetic location: 17q25.3.
Variant type: single nucleotide variant.
Coding change: c.226C>A on transcript NM_012418.4 (MANE Select); coding-DNA position 226, C replaced by A.
Protein change: p.Arg76Ser; replaces arginine 76 with serine.
Molecular consequence: missense variant.
Genome position (GRCh38, 1-based): chr17:81,528,757, C>A. VCF-style: chr17-81528757-C-A. GRCh37 (hg19) VCF-style: chr17-79495783-C-A.
Other names: c.226C>A, p.Arg76Ser (NM_001077182.3); short protein forms R76S.
Identifiers: ClinVar variation 2764400 (VCV002764400.3), dbSNP rs1160651832, ClinGen allele CA401470319.